The following is an entry in ClinVar:

ClinVar aggregate classification (germline): Uncertain significance (1 of 4 stars; one submission).

Conditions:
Hereditary cancer-predisposing syndrome. Also called: Neoplastic Syndromes, Hereditary; Tumor predisposition; Hereditary Cancer Syndrome; Hereditary neoplastic syndrome. Identifiers: Orphanet 140162, MedGen C0027672, MeSH D009386, MONDO:0015356.

Submission:

Color Diagnostics, LLC DBA Color Health
Classification: Uncertain significance for Hereditary cancer-predisposing syndrome. Last evaluated: 2022-10-17. Review status: criteria provided, single submitter. Criteria: ACMG Guidelines, 2015. Collection method: clinical testing. Allele origin: germline.
Comment: This variant is located in the 5' untranslated region of the BMPR1A gene. To our knowledge, functional studies have not been reported for this variant. This variant has not been reported in individuals affected with hereditary cancer in the literature. This variant has not been identified in the general population by the Genome Aggregation Database (gnomAD). The available evidence is insufficient to determine the role of this variant in disease conclusively. Therefore, this variant is classified as a Variant of Uncertain Significance.

NM_004329.3(BMPR1A):c.-2C>G

Gene: BMPR1A (bone morphogenetic protein receptor type 1A; plus strand). Cytogenetic location: 10q23.2.
Variant type: single nucleotide variant.
Coding change: c.-2C>G on transcript NM_004329.3 (MANE Select); 2 bases upstream of the start codon, C replaced by G.
Molecular consequence: 5 prime UTR variant. On other transcripts: non-coding transcript variant (3), intron variant (4).
Genome position (GRCh38, 1-based): chr10:86,876,017, C>G. VCF-style: chr10-86876017-C-G. GRCh37 (hg19) VCF-style: chr10-88635774-C-G.
Other names: c.-2C>G (NM_001406559.1, NM_001406560.1, NM_001406561.1 and 23 more transcripts); c.-81C>G (NM_001406588.1); c.-17-14045C>G (NM_001406584.1, NM_001406587.1, NM_001406585.1); c.-12-14050C>G (NM_001406586.1).
Identifiers: ClinVar variation 2774804 (VCV002774804.2), dbSNP rs2539350032, ClinGen allele CA2697558516.